The following is an entry in ClinVar:

ClinVar aggregate classification (germline): Uncertain significance (1 of 4 stars; one submission).

Submission:

CeGaT Center for Human Genetics Tuebingen
Classification: Uncertain significance. Last evaluated: 2024-09-01. Review status: criteria provided, single submitter. Criteria: CeGaT Center For Human Genetics Tuebingen Variant Classification Criteria Version 2. Collection method: clinical testing. Allele origin: germline. Affected: yes. Observed: 1 variant allele.
Comment: EXD3: PM2

NM_017820.5(EXD3):c.757+2T>A

Gene: EXD3 (exonuclease 3'-5' domain containing 3; minus strand). Cytogenetic location: 9q34.3.
Variant type: single nucleotide variant.
Coding change: c.757+2T>A on transcript NM_017820.5 (MANE Select); the canonical splice donor site of the intron after coding-DNA position 757, T replaced by A.
Molecular consequence: splice donor variant.
Genome position (GRCh38, 1-based): chr9:137,356,266, A>T on the plus strand (T>A on the coding strand, the complement: EXD3 is on the minus strand). VCF-style: chr9-137356266-A-T. GRCh37 (hg19) VCF-style: chr9-140250718-A-T.
Identifiers: ClinVar variation 3389802 (VCV003389802.14).
Genomic context (GRCh38, chr9:137,356,266, plus strand): 5'-CCCTGGCCACGCTTGGCGGCTCTCCCTGGCCTGTGGGGCAGGAATGTGGGGGCTGGACTC[A>T]CCTGGGGCTACGCCGTACCGCTCCTGCAGACGCAAGACCTGCCTGCTCAGCGCCTTCGGA-3'